The following is an entry in ClinVar:

NC_000002.12:g.(?_32144927)_(32154506_?)del

Gene: SPAST (spastin; plus strand). Cytogenetic location: 2p22.3.
Variant type: Deletion.
Identifiers: ClinVar variation 831019 (VCV000831019.1).

ClinVar aggregate classification (germline): Pathogenic (1 of 4 stars; one submission).

Conditions:
Hereditary spastic paraplegia 4. Also called: Spastic paraplegia 4, autosomal dominant; Spastic Paraplegia 4; Familial spastic paraplegia autosomal dominant 2. Identifiers: Orphanet 100985, MedGen C1866855, MONDO:0008438, OMIM 182601.

Submission:

Labcorp Genetics (formerly Invitae), Labcorp
Classification: Pathogenic for Spastic paraplegia 4, autosomal dominant. Last evaluated: 2019-04-22. Review status: criteria provided, single submitter. Criteria: Invitae Variant Classification Sherloc (09022015). Collection method: clinical testing. Allele origin: germline.
Comment: This variant is a gross deletion of the genomic region encompassing exons 15-17 of the SPAST gene. The 5' boundary is likely confined to intron 14. The 3' end of this event is unknown as it extends through the termination codon beyond the assayed region for this gene and may encompass additional genes. While this deletion is not anticipated to result in nonsense mediated decay, it is expected to create a truncated protein product or disrupt mRNA translation. This variant has been observed in an individual affected with hereditary spastic paraplegia (PMID: 29980238). Sub-genic deletion of exon 17 has been determined to be pathogenic (PMID: 11134375, 17035675, 17345589). Therefore, deletions that fully encompass that region are also expected to be pathogenic. For these reasons, this variant has been classified as Pathogenic.

Literature cited by the submitters: PubMed 17345589; PubMed 29980238; PubMed 11134375; PubMed 17035675.